The following is an entry in ClinVar:

ClinVar aggregate classification (germline): Likely pathogenic (1 of 4 stars; one submission).

Conditions:
6-Pyruvoyl-tetrahydrobiopterin synthase deficiency. Also called: 6-Pyruvoyltetrahydropterin Synthase Deficiency; HYPERPHENYLALANINEMIA, TETRAHYDROBIOPTERIN-DEFICIENT, DUE TO PTS DEFICIENCY; PTS DEFICIENCY; Hyperphenylalanemia, BH4-deficient, A; Hyperphenylalaninemia due to 6-pyruvoyl-tetrahydropterin synthase deficiency; BH4-deficient hyperphenylalaninemia A. Identifiers: Orphanet 13, Orphanet 238583, MedGen C0878676, MONDO:0009863, OMIM 261640.

Submission:

Natera, Inc.
Classification: Likely pathogenic for 6-Pyruvoyl-tetrahydrobiopterin synthase deficiency. Last evaluated: 2024-02-25. Review status: criteria provided, single submitter. Criteria: Natera Variant Classification Schema (03/2026). Collection method: clinical testing. Allele origin: germline.
Comment: The c.262dupC variant in PTS is a frameshift variant predicted to shift the reading frame beginning at codon 88 and leads to a stop codon 2 codons downstream. This variant is expected to result in nonsense mediated decay, truncation, or a dysfunctional protein product. This variant is rare in the general population with a frequency below the threshold expected for the associated phenotype(s). Given the available evidence, this variant is classified as Likely Pathogenic.

NM_000317.3(PTS):c.262dup (p.Leu88fs)

Gene: PTS (6-pyruvoyltetrahydropterin synthase; plus strand). Cytogenetic location: 11q23.1.
Variant type: Duplication.
Coding change: c.262dup on transcript NM_000317.3 (MANE Select); coding-DNA position 262, one base duplicated (C; older notation c.262dupC).
Protein change: p.Leu88fs; shifts the reading frame from leucine 88.
Molecular consequence: frameshift variant.
Genome position (GRCh38, 1-based): chr11:112,233,181, C duplicated; the last of 4 consecutive C bases (chr11:112,233,178-112,233,181); duplicating any one gives the same sequence. VCF-style (leftmost placement, unchanged base first): chr11-112233177-G-GC. GRCh37 (hg19) VCF-style: chr11-112103900-G-GC.
Other names: short protein forms L88fs.
Identifiers: ClinVar variation 4818151 (VCV004818151.1).